The following is an entry in ClinVar:

ClinVar aggregate classification (germline): Conflicting classifications of pathogenicity. Review status: criteria provided, conflicting classifications (1 of 4 stars). 4 submissions from 4 submitters: Uncertain significance (2); Benign (1); Likely benign (1). Last evaluated 2026-06-12.

Conditions:
Hereditary cancer-predisposing syndrome. Also called: Tumor predisposition; Hereditary neoplastic syndrome; Hereditary Cancer Syndrome; Neoplastic Syndromes, Hereditary. Identifiers: Orphanet 140162, MedGen C0027672, MeSH D009386, MONDO:0015356.
Polyps, multiple and recurrent inflammatory fibroid, gastrointestinal. Identifiers: MedGen C5193005, MONDO:0008285, OMIM 175510.
Gastrointestinal stromal tumor. Also called: Gastrointestinal stroma tumor; Gastrointestinal stromal tumor, somatic. Identifiers: Orphanet 44890, MedGen C0238198, MeSH D046152, MONDO:0011719, OMIM 606764, HP:0100723.

Allele frequency attached by ClinVar (database versions not stated): 1000 Genomes Project 30x 0.00016; 1000 Genomes Project 0.00020.

Submissions (4):

Myriad Genetics, Inc.
Classification: Likely benign for Polyps, multiple and recurrent inflammatory fibroid, gastrointestinal. Last evaluated: 2026-06-12. Review status: criteria provided, single submitter. Criteria: Myriad Autosomal Dominant, Autosomal Recessive and X-Linked Classification Criteria (2023). Collection method: clinical testing. Allele origin: unknown.
Comment: This variant is considered likely benign. This variant has been observed at a population frequency that is significantly greater than expected given the associated disease prevalence and penetrance.

Labcorp Genetics (formerly Invitae), Labcorp
Classification: Uncertain significance for Gastrointestinal stromal tumor. Last evaluated: 2026-01-04. Review status: criteria provided, single submitter. Criteria: Invitae Variant Classification Sherloc (09022015). Collection method: clinical testing. Allele origin: germline.
Comment: This sequence change replaces valine, which is neutral and non-polar, with methionine, which is neutral and non-polar, at codon 140 of the PDGFRA protein (p.Val140Met). This variant is present in population databases (rs574683248, gnomAD 0.007%). This variant has not been reported in the literature in individuals affected with PDGFRA-related conditions. ClinVar contains an entry for this variant (Variation ID: 528567). Invitae Evidence Modeling of protein sequence and biophysical properties (such as structural, functional, and spatial information, amino acid conservation, physicochemical variation, residue mobility, and thermodynamic stability) indicates that this missense variant is not expected to disrupt PDGFRA protein function with a negative predictive value of 80%. In summary, the available evidence is currently insufficient to determine the role of this variant in disease. Therefore, it has been classified as a Variant of Uncertain Significance.

Ambry Genetics
Classification: Benign for Hereditary cancer-predisposing syndrome. Last evaluated: 2024-10-29. Review status: criteria provided, single submitter. Criteria: Ambry Variant Classification Scheme 2023. Collection method: clinical testing. Allele origin: germline.

Baylor Genetics
Classification: Uncertain significance for Polyps, multiple and recurrent inflammatory fibroid, gastrointestinal. Last evaluated: 2023-08-07. Review status: criteria provided, single submitter. Criteria: ACMG Guidelines, 2015. Collection method: clinical testing. Allele origin: unknown.

NM_006206.6(PDGFRA):c.418G>A (p.Val140Met)

Gene: PDGFRA (platelet derived growth factor receptor alpha; plus strand). Cytogenetic location: 4q12.
Variant type: single nucleotide variant.
Coding change: c.418G>A on transcript NM_006206.6 (MANE Select); coding-DNA position 418, G replaced by A.
Protein change: p.Val140Met; replaces valine 140 with methionine.
Molecular consequence: missense variant.
Genome position (GRCh38, 1-based): chr4:54,263,717, G>A. VCF-style: chr4-54263717-G-A. GRCh37 (hg19) VCF-style: chr4-55129884-G-A.
Other names: c.418G>A, p.Val140Met (NM_001347827.2, NM_001347829.2); c.493G>A, p.Val165Met (NM_001347828.2); c.457G>A, p.Val153Met (NM_001347830.2); short protein forms V140M, V153M, V165M.
Identifiers: ClinVar variation 528567 (VCV000528567.15), dbSNP rs574683248, ClinGen allele CA2922289.